The following is an entry in ClinVar:

NM_015610.4(WIPI2):c.1174G>A (p.Asp392Asn)

Gene: WIPI2 (WD repeat domain, phosphoinositide interacting 2; plus strand). Cytogenetic location: 7p22.1.
Variant type: single nucleotide variant.
Coding change: c.1174G>A on transcript NM_015610.4 (MANE Select); coding-DNA position 1174, G replaced by A.
Protein change: p.Asp392Asn; replaces aspartic acid 392 with asparagine.
Molecular consequence: missense variant.
Genome position (GRCh38, 1-based): chr7:5,229,660, G>A. VCF-style: chr7-5229660-G-A. GRCh37 (hg19) VCF-style: chr7-5269291-G-A.
Other names: c.1174G>A, p.Asp392Asn (NM_001033518.2); c.1120G>A, p.Asp374Asn (NM_001033519.2, NM_016003.4); c.997G>A, p.Asp333Asn (NM_001033520.1); c.742G>A, p.Asp248Asn (NM_001278299.2); short protein forms D374N, D392N, D248N, D333N.
Identifiers: ClinVar variation 3055920 (VCV003055920.2), dbSNP rs147945082, ClinGen allele CA4142020.

ClinVar aggregate classification (germline): Benign (0 of 4 stars; one submission).

Conditions:
WIPI2-related disorder. Also called: WIPI2-related condition.

Allele frequency attached by ClinVar (database versions not stated): 1000 Genomes Project 30x 0.00187; 1000 Genomes Project 0.00220; TOPMed 0.00257; ESP Exome Variant Server 0.00277.

Submission:

PreventionGenetics, part of Exact Sciences
Classification: Benign for WIPI2-related condition. Last evaluated: 2019-11-25. Review status: no assertion criteria provided. Collection method: clinical testing. Allele origin: germline.
Comment: This variant is classified as benign based on ACMG/AMP sequence variant interpretation guidelines (Richards et al. 2015 PMID: 25741868, with internal and published modifications).